The following is an entry in ClinVar:

NM_002528.7(NTHL1):c.455C>A (p.Thr152Lys)

Gene: NTHL1 (nth like DNA glycosylase 1; minus strand). Cytogenetic location: 16p13.3.
Variant type: single nucleotide variant.
Coding change: c.455C>A on transcript NM_002528.7 (MANE Select); coding-DNA position 455, C replaced by A.
Protein change: p.Thr152Lys; replaces threonine 152 with lysine.
Molecular consequence: missense variant. On other transcripts: intron variant (1).
Genome position (GRCh38, 1-based): chr16:2,044,700, G>T on the plus strand (C>A on the coding strand, the complement: NTHL1 is on the minus strand). VCF-style: chr16-2044700-G-T. GRCh37 (hg19) VCF-style: chr16-2094701-G-T.
Other names: c.455C>A, p.Thr152Lys (LRG_1366t1); c.125C>A, p.Thr42Lys (NM_001318194.2); c.355-974C>A (NM_001318193.2); short protein forms T42K, T152K.
Identifiers: ClinVar variation 651378 (VCV000651378.16), dbSNP rs756403102, ClinGen allele CA7828252.
Genomic context (GRCh38, chr16:2,044,700, plus strand): 5'-CCGACGGGGTAGATGAGCTTGCCCAGCGTGGCATCATCTGTCTGCAGGATGCTGTCCACC[G>T]TCAGGCCCCGCGCCCGCAGTCGCTGCATGGCGCCCGCCGTCACCTGGTCTTTGGTTTGGC-3'
Protein context (NP_002519.2, residues 142-162): AMQRLRARGL[Thr152Lys]VDSILQTDDA

ClinVar aggregate classification (germline): Uncertain significance. Review status: criteria provided, multiple submitters, no conflicts (2 of 4 stars). 5 submissions from 5 submitters: Uncertain significance (5). Last evaluated 2025-12-02.

Conditions:
Familial adenomatous polyposis 3. Also called: NTHL1-Related Adenomatous Polyposis and Colorectal Cancer; NTHL1-associated polyposis; NTHL1-related attenuated familial adenomatous polyposis; NTHL1 Tumor Syndrome. Identifiers: Orphanet 220460, Orphanet 454840, MedGen C4225157, MONDO:0014630, OMIM 616415.
Hereditary cancer-predisposing syndrome. Also called: Tumor predisposition; Neoplastic Syndromes, Hereditary; Hereditary Cancer Syndrome; Hereditary neoplastic syndrome. Identifiers: Orphanet 140162, MedGen C0027672, MeSH D009386, MONDO:0015356.

Allele frequency attached by ClinVar (database versions not stated): TOPMed 0.00001.
gnomAD v4.1: 2 of 1,612,210 alleles (0.00012%); highest among the groups gnomAD compares: Non-Finnish European, 0.00017%; no homozygotes.

Submissions (5):

Labcorp Genetics (formerly Invitae), Labcorp
Classification: Uncertain significance. Last evaluated: 2025-12-02. Review status: criteria provided, single submitter. Criteria: Invitae Variant Classification Sherloc (09022015). Collection method: clinical testing. Allele origin: germline.
Comment: This sequence change replaces threonine, which is neutral and polar, with lysine, which is basic and polar, at codon 160 of the NTHL1 protein (p.Thr160Lys). This variant is present in population databases (rs756403102, gnomAD 0.0009%). This variant has not been reported in the literature in individuals affected with NTHL1-related conditions. ClinVar contains an entry for this variant (Variation ID: 651378). An algorithm developed to predict the effect of missense changes on protein structure and function (PolyPhen-2) suggests that this variant is likely to be disruptive. In summary, the available evidence is currently insufficient to determine the role of this variant in disease. Therefore, it has been classified as a Variant of Uncertain Significance.

St. Jude Molecular Pathology, St. Jude Children's Research Hospital
Classification: Uncertain significance for Familial adenomatous polyposis 3. Last evaluated: 2024-07-16. Review status: criteria provided, single submitter. Criteria: St. Jude Assertion Criteria 2020. Collection method: clinical testing. Allele origin: germline.
Comment: The NTHL1 c.455C>A (p.Thr152Lys) missense change is absent in gnomAD v2.1.1. The in silico tool REVEL predicts a deleterious effect on protein function, but this prediction has not been confirmed by functional studies. This variant has not been reported in individuals with NTHL1-associated polyposis. In summary, the evidence currently available is insufficient to determine the clinical significance of this variant. It has therefore been classified as of uncertain significance.

GeneDx
Classification: Uncertain significance. Last evaluated: 2024-06-10. Review status: criteria provided, single submitter. Criteria: GeneDx Variant Classification Process June 2021. Collection method: clinical testing. Allele origin: germline. Affected: yes.
Comment: Not observed at significant frequency in large population cohorts (gnomAD); In silico analysis supports that this missense variant has a deleterious effect on protein structure/function; Has not been previously published as pathogenic or benign to our knowledge

Ambry Genetics
Classification: Uncertain significance for Hereditary cancer-predisposing syndrome. Last evaluated: 2024-01-19. Review status: criteria provided, single submitter. Criteria: Ambry Variant Classification Scheme 2023. Collection method: clinical testing. Allele origin: germline.
Comment: The p.T160K variant (also known as c.479C>A), located in coding exon 3 of the NTHL1 gene, results from a C to A substitution at nucleotide position 479. The threonine at codon 160 is replaced by lysine, an amino acid with similar properties. This amino acid position is well conserved in available vertebrate species. In addition, this alteration is predicted to be deleterious by in silico analysis. Since supporting evidence is limited at this time, the clinical significance of this alteration remains unclear.

MGZ Medical Genetics Center
Classification: Uncertain significance for Familial adenomatous polyposis 3. Last evaluated: 2022-05-27. Review status: criteria provided, single submitter. Criteria: ACMG Guidelines, 2015. Collection method: clinical testing. Allele origin: germline. Affected: yes. Observed: 1 variant allele.
Comment: ACMG criteria applied: PM2_SUP